The following is an entry in ClinVar:

ClinVar aggregate classification (germline): Uncertain significance. Review status: criteria provided, multiple submitters, no conflicts (2 of 4 stars). 2 submissions from 2 submitters: Uncertain significance (2). Last evaluated 2025-01-06.

Conditions:
PHKG2-related disorder. Also called: PHKG2-related condition.

Allele frequency attached by ClinVar (database versions not stated): gnomAD exomes below 0.00001; TOPMed below 0.00001.
gnomAD v4.1: 4 of 1,614,170 alleles (0.00025%); highest among the groups gnomAD compares: Non-Finnish European, 0.00034%; no homozygotes.

Submissions (2):

PreventionGenetics, part of Exact Sciences
Classification: Uncertain significance for PHKG2-related condition. Last evaluated: 2025-01-06. Review status: criteria provided, single submitter. Criteria: ACMG Guidelines, 2015. Collection method: clinical testing. Allele origin: germline.
Comment: The PHKG2 c.965C>G variant is predicted to result in the amino acid substitution p.Ala322Gly. To our knowledge, this variant has not been reported in the literature. This variant is reported in 0.00088% of alleles in individuals of European (Non-Finnish) descent in gnomAD. At this time, the clinical significance of this variant is uncertain due to the absence of conclusive functional and genetic evidence.

Women's Health and Genetics/Laboratory Corporation of America, LabCorp
Classification: Uncertain significance. Last evaluated: 2022-05-03. Review status: criteria provided, single submitter. Criteria: LabCorp Variant Classification Summary - May 2015. Collection method: clinical testing. Allele origin: germline.

NM_000294.3(PHKG2):c.965C>G (p.Ala322Gly)

Gene: PHKG2 (phosphorylase kinase catalytic subunit gamma 2; plus strand). Cytogenetic location: 16p11.2.
Variant type: single nucleotide variant.
Coding change: c.965C>G on transcript NM_000294.3 (MANE Select); coding-DNA position 965, C replaced by G.
Protein change: p.Ala322Gly; replaces alanine 322 with glycine.
Molecular consequence: missense variant.
Genome position (GRCh38, 1-based): chr16:30,756,841, C>G. VCF-style: chr16-30756841-C-G. GRCh37 (hg19) VCF-style: chr16-30768162-C-G.
Other names: c.965C>G, p.Ala322Gly (NM_001172432.2); short protein forms A322G.
Identifiers: ClinVar variation 1696121 (VCV001696121.2), dbSNP rs930832189, ClinGen allele CA280541173.